The following is an entry in ClinVar:

NM_005219.5(DIAPH1):c.2333A>G (p.Gln778Arg)

Gene: DIAPH1 (diaphanous related formin 1; minus strand). Cytogenetic location: 5q31.3.
Variant type: single nucleotide variant.
Coding change: c.2333A>G on transcript NM_005219.5 (MANE Select); coding-DNA position 2333, A replaced by G.
Protein change: p.Gln778Arg; replaces glutamine 778 with arginine.
Molecular consequence: missense variant.
Genome position (GRCh38, 1-based): chr5:141,573,517, T>C on the plus strand (A>G on the coding strand, the complement: DIAPH1 is on the minus strand). VCF-style: chr5-141573517-T-C. GRCh37 (hg19) VCF-style: chr5-140953084-T-C.
Other names: c.2306A>G, p.Gln769Arg (NM_001079812.3); c.2333A>G, p.Gln778Arg (NM_001314007.2); short protein forms Q778R, Q769R.
Identifiers: ClinVar variation 351286 (VCV000351286.17), dbSNP rs369255077, ClinGen allele CA3479118.

ClinVar aggregate classification (germline): Uncertain significance. Review status: criteria provided, multiple submitters, no conflicts (2 of 4 stars). 5 submissions from 5 submitters: Uncertain significance (5). Last evaluated 2025-11-28.

Conditions:
Inborn genetic diseases. Identifiers: MedGen C0950123, MeSH D030342.
Autosomal dominant nonsyndromic hearing loss 1. Also called: KONIGSMARK SYNDROME; DEAFNESS, AUTOSOMAL DOMINANT 1, WITH OR WITHOUT THROMBOCYTOPENIA. Identifiers: Orphanet 90635, MedGen C1852282, MONDO:0007424, OMIM 124900.
Progressive microcephaly-seizures-cortical blindness-developmental delay syndrome. Also called: Seizures, cortical blindness, and microcephaly syndrome. Identifiers: Orphanet 477814, MedGen C5567650, MONDO:0014714, OMIM 616632.

Allele frequency attached by ClinVar (database versions not stated): TOPMed 0.00004; ESP Exome Variant Server 0.00017.
gnomAD v4.1: 166 of 1,610,224 alleles (0.01%); highest among the groups gnomAD compares: Non-Finnish European, 0.014%; no homozygotes.

Submissions (5):

Labcorp Genetics (formerly Invitae), Labcorp
Classification: Uncertain significance for Progressive microcephaly-seizures-cortical blindness-developmental delay syndrome; Autosomal dominant nonsyndromic hearing loss 1. Last evaluated: 2025-11-28. Review status: criteria provided, single submitter. Criteria: Invitae Variant Classification Sherloc (09022015). Collection method: clinical testing. Allele origin: germline.
Comment: This sequence change replaces glutamine, which is neutral and polar, with arginine, which is basic and polar, at codon 778 of the DIAPH1 protein (p.Gln778Arg). This variant is present in population databases (rs369255077, gnomAD 0.01%). This variant has not been reported in the literature in individuals affected with DIAPH1-related conditions. ClinVar contains an entry for this variant (Variation ID: 351286). An algorithm developed to predict the effect of missense changes on protein structure and function (PolyPhen-2) suggests that this variant is likely to be tolerated. In summary, the available evidence is currently insufficient to determine the role of this variant in disease. Therefore, it has been classified as a Variant of Uncertain Significance.

ARUP Laboratories, Molecular Genetics and Genomics, ARUP Laboratories
Classification: Uncertain significance. Last evaluated: 2025-03-13. Review status: criteria provided, single submitter. Criteria: ARUP Molecular Germline Variant Investigation Process 2024. Collection method: clinical testing. Allele origin: germline.

Ambry Genetics
Classification: Uncertain significance for Inborn genetic diseases. Last evaluated: 2021-07-26. Review status: criteria provided, single submitter. Criteria: Ambry Variant Classification Scheme 2023. Collection method: clinical testing. Allele origin: germline.

Illumina Laboratory Services, Illumina
Classification: Uncertain significance for Autosomal dominant nonsyndromic hearing loss 1. Last evaluated: 2018-01-13. Review status: criteria provided, single submitter. Criteria: ICSL Variant Classification Criteria 13 December 2019. Collection method: clinical testing. Allele origin: germline.

Laboratory for Molecular Medicine, Mass General Brigham Personalized Medicine
Classification: Uncertain significance. Last evaluated: 2017-02-16. Review status: criteria provided, single submitter. Criteria: LMM Criteria. Collection method: clinical testing. Allele origin: germline. Observed: 2 variant alleles.
Comment: The p.Gln778Arg variant in DIAPH1 has not been previously reported in individual s with hearing loss, but has been reported in ClinVar (Variation ID# 351286) as a variant of uncertain significance. This variant has also been identified in 4/ 64508 of European chromosomes by the Exome Aggregation Consortium (ExAC; dbSNPrs369255077). Although this variant has been seen in the general population, its frequency is not high enough to rule out a pathog enic role. Computational prediction tools and conservation analysis do not provi de strong support for or against an impact to the protein. In summary, the clini cal significance of the p.Arg118Trp variant is uncertain.